The following is an entry in ClinVar:

NM_000127.3(EXT1):c.1659C>G (p.Tyr553Ter)

Gene: EXT1 (exostosin glycosyltransferase 1; minus strand). Cytogenetic location: 8q24.11.
Variant type: single nucleotide variant.
Coding change: c.1659C>G on transcript NM_000127.3 (MANE Select); coding-DNA position 1659, C replaced by G.
Protein change: p.Tyr553Ter; replaces tyrosine 553 with a stop codon.
Molecular consequence: nonsense.
Genome position (GRCh38, 1-based): chr8:117,812,935, G>C on the plus strand (C>G on the coding strand, the complement: EXT1 is on the minus strand). VCF-style: chr8-117812935-G-C. GRCh37 (hg19) VCF-style: chr8-118825174-G-C.
Other names: short protein forms Y553*.
Identifiers: ClinVar variation 1459246 (VCV001459246.8), dbSNP rs757115396, ClinGen allele CA371881433.
Genomic context (GRCh38, chr8:117,812,935, plus strand): 5'-TGTTGTTGAAAGCACCGTGTCCTCGTCAAGGCTGAGCACGGCGTCTGTGATGATGTTGTC[G>C]TAGGGCAGAAAACGGCTGCTCATAACCTGGGAGGAAGTAGAAGTAGGCAGTGGGGAGGGA-3'

ClinVar aggregate classification (germline): Pathogenic (1 of 4 stars; one submission).

Conditions:
Multiple congenital exostosis (EXT). Also called: Multiple osteochondromas; MULTIPLE CARTILAGINOUS EXOSTOSES; Hereditary multiple exostoses; Hereditary multiple exostosis; Hereditary multiple osteochondromas; Multiple exostoses. Identifiers: Orphanet 321, MedGen C0015306, MONDO:0005508, HP:0002762.

gnomAD v4.1: 1 of 1,613,892 alleles (0.000062%); highest among the groups gnomAD compares: Non-Finnish European, 0.000085%; no homozygotes.

Submission:

Labcorp Genetics (formerly Invitae), Labcorp
Classification: Pathogenic for Multiple congenital exostosis. Last evaluated: 2024-07-11. Review status: criteria provided, single submitter. Criteria: Invitae Variant Classification Sherloc (09022015). Collection method: clinical testing. Allele origin: germline.
Comment: This sequence change creates a premature translational stop signal (p.Tyr553*) in the EXT1 gene. It is expected to result in an absent or disrupted protein product. Loss-of-function variants in EXT1 are known to be pathogenic (PMID: 10679937, 11391482, 19810120). This variant is not present in population databases (gnomAD no frequency). This premature translational stop signal has been observed in individual(s) with multiple osteochondromas (PMID: 16283885). ClinVar contains an entry for this variant (Variation ID: 1459246). Algorithms developed to predict the effect of sequence changes on RNA splicing suggest that this variant may create or strengthen a splice site. For these reasons, this variant has been classified as Pathogenic.

Literature cited by the submitters: PubMed 10679937; PubMed 11391482; PubMed 19810120; PubMed 16283885.